The following is an entry in ClinVar:

NM_000179.3(MSH6):c.2046T>A (p.Ser682=)

Gene: MSH6 (mutS homolog 6; plus strand). Cytogenetic location: 2p16.3.
Variant type: single nucleotide variant.
Coding change: c.2046T>A on transcript NM_000179.3 (MANE Select); coding-DNA position 2046, T replaced by A.
Protein change: p.Ser682=; no amino-acid change (serine 682 retained).
Molecular consequence: synonymous variant.
Genome position (GRCh38, 1-based): chr2:47,800,029, T>A. VCF-style: chr2-47800029-T-A. GRCh37 (hg19) VCF-style: chr2-48027168-T-A.
Other names: c.1656T>A, p.Ser552= (NM_001281492.2); c.1140T>A, p.Ser380= (NM_001281493.2, NM_001281494.2).
Identifiers: ClinVar variation 922980 (VCV000922980.12), dbSNP rs755329012, ClinGen allele CA426121353.

ClinVar aggregate classification (germline): Benign/Likely benign. Review status: criteria provided, multiple submitters, no conflicts (2 of 4 stars). 5 submissions from 5 submitters: Benign (1); Likely benign (4). Last evaluated 2025-10-11.

Conditions:
Hereditary cancer-predisposing syndrome. Also called: Neoplastic Syndromes, Hereditary; Tumor predisposition; Hereditary Cancer Syndrome; Hereditary neoplastic syndrome. Identifiers: Orphanet 140162, MedGen C0027672, MeSH D009386, MONDO:0015356.
Hereditary nonpolyposis colorectal neoplasms. Identifiers: MedGen C0009405, MeSH D003123.
Lynch syndrome 5 (LYNCH5). Also called: Colorectal cancer, hereditary nonpolyposis, type 5; Hereditary non-polyposis colorectal cancer, type 5. Identifiers: Orphanet 144, MedGen C1833477, MONDO:0013710, OMIM 614350. Disease mechanism: loss of function.

Submissions (5):

Women's Health and Genetics/Laboratory Corporation of America, LabCorp
Classification: Likely benign. Last evaluated: 2025-10-11. Review status: criteria provided, single submitter. Criteria: LabCorp Variant Classification Summary - May 2015. Collection method: clinical testing. Allele origin: germline.

Myriad Genetics, Inc.
Classification: Benign for Lynch syndrome 5. Last evaluated: 2024-12-30. Review status: criteria provided, single submitter. Criteria: Myriad Autosomal Dominant, Autosomal Recessive and X-Linked Classification Criteria (2023). Collection method: clinical testing. Allele origin: unknown.
Comment: This variant is considered benign. This variant is a silent/synonymous amino acid change and it is not expected to impact splicing.

Labcorp Genetics (formerly Invitae), Labcorp
Classification: Likely benign for Hereditary nonpolyposis colorectal neoplasms. Last evaluated: 2024-02-17. Review status: criteria provided, single submitter. Criteria: Invitae Variant Classification Sherloc (09022015). Collection method: clinical testing. Allele origin: germline.

Ambry Genetics
Classification: Likely benign for Hereditary cancer-predisposing syndrome. Last evaluated: 2021-09-14. Review status: criteria provided, single submitter. Criteria: Ambry Variant Classification Scheme 2023. Collection method: clinical testing. Allele origin: germline.

Color Diagnostics, LLC DBA Color Health
Classification: Likely benign for Hereditary cancer-predisposing syndrome. Last evaluated: 2019-03-26. Review status: criteria provided, single submitter. Criteria: ACMG Guidelines, 2015. Collection method: clinical testing. Allele origin: germline.